The following is an entry in ClinVar:

ClinVar aggregate classification (germline): Uncertain significance (1 of 4 stars; one submission).

Submission:

Labcorp Genetics (formerly Invitae), Labcorp
Classification: Uncertain significance. Last evaluated: 2025-08-13. Review status: criteria provided, single submitter. Criteria: Invitae Variant Classification Sherloc (09022015). Collection method: clinical testing. Allele origin: germline.
Comment: This sequence change replaces isoleucine, which is neutral and non-polar, with leucine, which is neutral and non-polar, at codon 307 of the POLE protein (p.Ile307Leu). This variant is not present in population databases (gnomAD no frequency). This variant has not been reported in the literature in individuals affected with POLE-related conditions. ClinVar contains an entry for this variant (Variation ID: 2052404). Invitae Evidence Modeling of protein sequence and biophysical properties (such as structural, functional, and spatial information, amino acid conservation, physicochemical variation, residue mobility, and thermodynamic stability) indicates that this missense variant is not expected to disrupt POLE protein function with a negative predictive value of 80%. Algorithms developed to predict the effect of sequence changes on RNA splicing suggest that this variant may disrupt the consensus splice site. In summary, the available evidence is currently insufficient to determine the role of this variant in disease. Therefore, it has been classified as a Variant of Uncertain Significance.

NM_006231.4(POLE):c.919A>C (p.Ile307Leu)

Gene: POLE (DNA polymerase epsilon, catalytic subunit; minus strand). Cytogenetic location: 12q24.33.
Variant type: single nucleotide variant.
Coding change: c.919A>C on transcript NM_006231.4 (MANE Select); coding-DNA position 919, A replaced by C.
Protein change: p.Ile307Leu; replaces isoleucine 307 with leucine.
Molecular consequence: missense variant.
Genome position (GRCh38, 1-based): chr12:132,676,195, T>G on the plus strand (A>C on the coding strand, the complement: POLE is on the minus strand). VCF-style: chr12-132676195-T-G. GRCh37 (hg19) VCF-style: chr12-133252781-T-G.
Other names: short protein forms I307L.
Identifiers: ClinVar variation 2052404 (VCV002052404.4), dbSNP rs2542168032, ClinGen allele CA387363969.